The following is an entry in ClinVar:

ClinVar aggregate classification (germline): Uncertain significance. Review status: criteria provided, multiple submitters, no conflicts (2 of 4 stars). 2 submissions from 2 submitters: Uncertain significance (2). Last evaluated 2025-10-25.

Conditions:
Hereditary cancer-predisposing syndrome. Also called: Hereditary Cancer Syndrome; Tumor predisposition; Hereditary neoplastic syndrome; Neoplastic Syndromes, Hereditary. Identifiers: Orphanet 140162, MedGen C0027672, MeSH D009386, MONDO:0015356.

gnomAD v4.1: 1 of 1,614,062 alleles (0.000062%); highest among the groups gnomAD compares: Non-Finnish European, 0.000085%; no homozygotes.

Submissions (2):

Labcorp Genetics (formerly Invitae), Labcorp
Classification: Uncertain significance. Last evaluated: 2025-10-25. Review status: criteria provided, single submitter. Criteria: Invitae Variant Classification Sherloc (09022015). Collection method: clinical testing. Allele origin: germline.
Comment: This sequence change replaces arginine, which is basic and polar, with proline, which is neutral and non-polar, at codon 1879 of the POLE protein (p.Arg1879Pro). This variant is not present in population databases (gnomAD no frequency). This variant has not been reported in the literature in individuals affected with POLE-related conditions. ClinVar contains an entry for this variant (Variation ID: 644756). Invitae Evidence Modeling of protein sequence and biophysical properties (such as structural, functional, and spatial information, amino acid conservation, physicochemical variation, residue mobility, and thermodynamic stability) indicates that this missense variant is not expected to disrupt POLE protein function with a negative predictive value of 80%. In summary, the available evidence is currently insufficient to determine the role of this variant in disease. Therefore, it has been classified as a Variant of Uncertain Significance.

Ambry Genetics
Classification: Uncertain significance for Hereditary cancer-predisposing syndrome. Last evaluated: 2023-05-21. Review status: criteria provided, single submitter. Criteria: Ambry Variant Classification Scheme 2023. Collection method: clinical testing. Allele origin: germline.
Comment: The p.R1879P variant (also known as c.5636G>C), located in coding exon 41 of the POLE gene, results from a G to C substitution at nucleotide position 5636. The arginine at codon 1879 is replaced by proline, an amino acid with dissimilar properties. This amino acid position is conserved. In addition, the in silico prediction for this alteration is inconclusive. Since supporting evidence is limited at this time, the clinical significance of this alteration remains unclear.

NM_006231.4(POLE):c.5636G>C (p.Arg1879Pro)

Gene: POLE (DNA polymerase epsilon, catalytic subunit; minus strand). Cytogenetic location: 12q24.33.
Variant type: single nucleotide variant.
Coding change: c.5636G>C on transcript NM_006231.4 (MANE Select); coding-DNA position 5636, G replaced by C.
Protein change: p.Arg1879Pro; replaces arginine 1879 with proline.
Molecular consequence: missense variant.
Genome position (GRCh38, 1-based): chr12:132,638,056, C>G on the plus strand (G>C on the coding strand, the complement: POLE is on the minus strand). VCF-style: chr12-132638056-C-G. GRCh37 (hg19) VCF-style: chr12-133214642-C-G.
Other names: c.5636G>C (NM_006231.2); short protein forms R1879P.
Identifiers: ClinVar variation 644756 (VCV000644756.10), dbSNP rs145621558, ClinGen allele CA387374034.